The following is an entry in ClinVar:

ClinVar aggregate classification (germline): Pathogenic (1 of 4 stars; one submission).

Conditions:
Neurofibromatosis, type 1 (NF1). Also called: Peripheral type neurofibromatosis; VON RECKLINGHAUSEN DISEASE; NEUROFIBROMATOSIS, TYPE I, SOMATIC; Neurofibromatosis, type I. Identifiers: Orphanet 636, MedGen C0027831, MONDO:0018975, OMIM 162200. Disease mechanism: loss of function.

Submission:

Labcorp Genetics (formerly Invitae), Labcorp
Classification: Pathogenic for Neurofibromatosis, type 1. Last evaluated: 2022-06-09. Review status: criteria provided, single submitter. Criteria: Invitae Variant Classification Sherloc (09022015). Collection method: clinical testing. Allele origin: germline.
Comment: This variant is a gross deletion of the genomic region encompassing exon(s) 1-39 of the NF1 gene, which includes the initiator codon. This deletion extends beyond the assayed region for this gene and therefore may encompass additional genes. It is expected to result in an absent or disrupted protein product. Loss-of-function variants in NF1 are known to be pathogenic (PMID: 10712197, 23913538). For these reasons, this variant has been classified as Pathogenic. A similar copy number variant has been observed in individual(s) with Neurofibromatosis, type 1 (PMID: 33877690).

Literature cited by the submitters: PubMed 10712197; PubMed 23913538; PubMed 33877690.

NC_000017.10:g.(?_29422055)_(29662069_?)del

Genes: EVI2A (ecotropic viral integration site 2A; minus strand), EVI2B (ecotropic viral integration site 2B; minus strand), NF1 (neurofibromin 1; plus strand), OMG (oligodendrocyte myelin glycoprotein; minus strand). Cytogenetic location: 17q11.2.
Variant type: Deletion.
Identifiers: ClinVar variation 2422715 (VCV002422715.4).